The following is an entry in ClinVar:

ClinVar aggregate classification (germline): Likely pathogenic. Review status: criteria provided, multiple submitters, no conflicts (2 of 4 stars). 3 submissions from 3 submitters: Likely pathogenic (2). 1 of the submissions does not count toward it. Last evaluated 2022-09-13.

Conditions:
Cohen syndrome (COH1). Also called: Cutis verticis gyrata, retinitis pigmentosa, and sensorineural deafness; PEPPER SYNDROME. Identifiers: Orphanet 193, MedGen C0265223, MONDO:0008999, OMIM 216550.

Allele frequency attached by ClinVar (database versions not stated): gnomAD exomes below 0.00001 and 0.00001; ExAC 0.00001; gnomAD 0.00003.
gnomAD v4.1: 14 of 1,613,966 alleles (0.00087%); highest among the groups gnomAD compares: Non-Finnish European, 0.0011%; no homozygotes.

Submissions (3):

Labcorp Genetics (formerly Invitae), Labcorp
Classification: Likely pathogenic for Cohen syndrome. Last evaluated: 2022-09-13. Review status: criteria provided, single submitter. Criteria: Invitae Variant Classification Sherloc (09022015). Collection method: clinical testing. Allele origin: germline.
Comment: In summary, the currently available evidence indicates that the variant is pathogenic, but additional data are needed to prove that conclusively. Therefore, this variant has been classified as Likely Pathogenic. Algorithms developed to predict the effect of sequence changes on RNA splicing suggest that this variant may disrupt the consensus splice site. ClinVar contains an entry for this variant (Variation ID: 371531). This variant has not been reported in the literature in individuals affected with VPS13B-related conditions. This variant is present in population databases (rs763079458, gnomAD 0.002%). This sequence change affects an acceptor splice site in intron 40 of the VPS13B gene. It is expected to disrupt RNA splicing. Variants that disrupt the donor or acceptor splice site typically lead to a loss of protein function (PMID: 16199547), and loss-of-function variants in VPS13B are known to be pathogenic (PMID: 15141358, 16648375, 20461111).

Equipe Genetique des Anomalies du Developpement, Université de Bourgogne
Classification: Likely pathogenic for Cohen syndrome. Last evaluated: 2016-01-04. Review status: criteria provided, single submitter. Criteria: ACMG Guidelines, 2015. Collection method: clinical testing. Allele origin: inherited. Affected: yes.

Counsyl
Classification: Likely pathogenic for Cohen syndrome. Last evaluated: 2016-10-11. Review status: no assertion criteria provided. Collection method: clinical testing. Allele origin: unknown. Not counted in ClinVar's aggregate classification.

Literature cited by the submitters: PubMed 16199547 (cited by Labcorp Genetics (formerly Invitae), Labcorp); PubMed 15141358 (cited by Labcorp Genetics (formerly Invitae), Labcorp); PubMed 16648375 (cited by Labcorp Genetics (formerly Invitae), Labcorp); PubMed 20461111 (cited by Labcorp Genetics (formerly Invitae), Labcorp).

NM_152564.5(VPS13B):c.7248-1G>A

Gene: VPS13B (vacuolar protein sorting 13 homolog B; plus strand). Cytogenetic location: 8q22.2.
Variant type: single nucleotide variant.
Coding change: c.7248-1G>A on transcript NM_152564.5 (MANE Select); the canonical splice acceptor site of the intron before coding-DNA position 7248, G replaced by A.
Molecular consequence: splice acceptor variant.
Genome position (GRCh38, 1-based): chr8:99,776,774, G>A. VCF-style: chr8-99776774-G-A. GRCh37 (hg19) VCF-style: chr8-100789002-G-A.
Other names: c.7323-1G>A (NM_017890.5).
Identifiers: ClinVar variation 371531 (VCV000371531.12), dbSNP rs763079458, ClinGen allele CA4824185.